The following is an entry in ClinVar:

ClinVar aggregate classification (germline): Likely pathogenic (1 of 4 stars; one submission).

Conditions:
Fetal anomalies with a likely genetic cause.

Submission:

Genetics Laboratory, Great Ormond Street Hospital NHS Foundation Trust, North Thames Genomic Laboratory Hub
Classification: Likely pathogenic for Fetal anomalies with a likely genetic cause. Last evaluated: 2026-08-24. Review status: criteria provided, single submitter. Criteria: ACGS Best Practice Guidelines for Variant Classification in Rare Disease 2024 v1.2. Collection method: clinical testing. Allele origin: germline. Affected: yes.
Comment: PM2_moderate, PVS1_strong

NM_013352.4(DSE):c.1937_1938del (p.Tyr646fs)

Gene: DSE (dermatan sulfate epimerase; plus strand). Cytogenetic location: 6q22.1.
Variant type: Deletion.
Coding change: c.1937_1938del on transcript NM_013352.4 (MANE Select); coding-DNA positions 1937 to 1938, 2 bases deleted (AT; older notation c.1937_1938delAT).
Protein change: p.Tyr646fs; shifts the reading frame from tyrosine 646.
Molecular consequence: frameshift variant. On other transcripts: 3 prime UTR variant (2), non-coding transcript variant (1).
Genome position (GRCh38, 1-based): chr6:116,436,405-116,436,406, AT deleted; deleting any 2 consecutive bases within chr6:116,436,404-116,436,406 gives the same sequence; the c. name uses the placement nearest the transcript's 3' end. VCF-style (leftmost placement, unchanged base first): chr6-116436403-CTA-C. GRCh37 (hg19) VCF-style: chr6-116757566-CTA-C.
Other names: c.1937_1938del, p.Tyr646fs (NM_001080976.3, NM_001322937.2, NM_001322938.2); c.1994_1995del, p.Tyr665fs (NM_001322939.2); c.1376_1377del, p.Tyr459fs (NM_001322940.2, NM_001322941.2); c.*802_*803del (NM_001322943.2, NM_001322944.2); c.938_939del, p.Tyr313fs (NM_001374520.1); c.902_903del, p.Tyr301fs (NM_001374521.1); short protein forms Y301fs, Y313fs, Y459fs, Y646fs, Y665fs.
Identifiers: ClinVar variation 4852591 (VCV004852591.2).
Genomic context (GRCh38, chr6:116,436,403, plus strand): 5'-CGAGAAAGCAACCTTTGCCTCAGTGACATATCCTCGGGGCTATCCCTACAATGGGACAAA[CTA>C]TGTGAATGTCACCATGCACCTCCGAAGTCCCATCACCAGGGCAGCTTACCTCTTCATAGG-3'